The following is an entry in ClinVar:

ClinVar aggregate classification (germline): Likely benign. Review status: criteria provided, multiple submitters, no conflicts (2 of 4 stars). 2 submissions from 2 submitters: Likely benign (2). Last evaluated 2018-06-14.

Allele frequency attached by ClinVar (database versions not stated): 1000 Genomes Project 0.01897; 1000 Genomes Project 30x 0.01936; gnomAD 0.02287 and 0.02373; TOPMed 0.02347.
gnomAD v4.1: 3,475 of 152,194 alleles (2.3%); highest among the groups gnomAD compares: African/African-American, 3.8%; 53 homozygotes.

Submissions (2):

GeneDx
Classification: Likely benign. Last evaluated: 2018-06-14. Review status: criteria provided, single submitter. Criteria: GeneDx Variant Classification (06012015). Collection method: clinical testing. Allele origin: germline. Affected: yes.
Comment: This variant is considered likely benign or benign based on one or more of the following criteria: it is a conservative change, it occurs at a poorly conserved position in the protein, it is predicted to be benign by multiple in silico algorithms, and/or has population frequency not consistent with disease.

Breakthrough Genomics
Classification: Likely benign. Review status: criteria provided, single submitter. Criteria: ACMG Guidelines, 2015. Collection method: not provided. Allele origin: germline. Inheritance: Autosomal recessive inheritance. Affected: yes.

NM_000090.4(COL3A1):c.951+177C>T

Gene: COL3A1 (collagen type III alpha 1 chain; plus strand). Cytogenetic location: 2q32.2.
Variant type: single nucleotide variant.
Coding change: c.951+177C>T on transcript NM_000090.4 (MANE Select); 177 bases into the intron after coding-DNA position 951, C replaced by T.
Molecular consequence: intron variant.
Genome position (GRCh38, 1-based): chr2:188,991,899, C>T. VCF-style: chr2-188991899-C-T. GRCh37 (hg19) VCF-style: chr2-189856625-C-T.
Identifiers: ClinVar variation 675296 (VCV000675296.2), dbSNP rs72912645, ClinGen allele CA62593207.